The following is an entry in ClinVar:

NM_000063.6(C2):c.1105C>A (p.His369Asn)

Genes: C2 (complement C2; plus strand), C2-AS1 (C2 antisense RNA 1; minus strand). Cytogenetic location: 6p21.33.
Variant type: single nucleotide variant.
Coding change: c.1105C>A on transcript NM_000063.6 (MANE Select); coding-DNA position 1105, C replaced by A.
Protein change: p.His369Asn; replaces histidine 369 with asparagine.
Molecular consequence: missense variant.
Genome position (GRCh38, 1-based): chr6:31,937,435, C>A. VCF-style: chr6-31937435-C-A. GRCh37 (hg19) VCF-style: chr6-31905212-C-A.
Other names: c.709C>A, p.His237Asn (NM_001145903.3); c.463C>A, p.His155Asn (NM_001178063.3); c.367C>A, p.His123Asn (NM_001282457.2); c.1018C>A, p.His340Asn (NM_001282458.2); short protein forms H237N, H369N, H340N, H123N, H155N.
Identifiers: ClinVar variation 1368077 (VCV001368077.6), dbSNP rs2151760714, ClinGen allele CA363371658.
Genomic context (GRCh38, chr6:31,937,435, plus strand): 5'-ATGATGAACAACCAAATGCGACTCCTCGGCATGGAAACGATGGCCTGGCAGGAAATCCGA[C>A]ATGCCATCATCCTTCTGACAGATGGTGGGTATCATGGTCTCTGAGTGTGTCTGGAATAGT-3'
Protein context (NP_000054.2, residues 359-379): METMAWQEIR[His369Asn]AIILLTDGKS

ClinVar aggregate classification (germline): Uncertain significance (1 of 4 stars; one submission).

Submission:

Labcorp Genetics (formerly Invitae), Labcorp
Classification: Uncertain significance. Last evaluated: 2024-10-16. Review status: criteria provided, single submitter. Criteria: Invitae Variant Classification Sherloc (09022015). Collection method: clinical testing. Allele origin: germline.
Comment: This sequence change replaces histidine, which is basic and polar, with asparagine, which is neutral and polar, at codon 369 of the C2 protein (p.His369Asn). This variant is not present in population databases (gnomAD no frequency). This variant has not been reported in the literature in individuals affected with C2-related conditions. ClinVar contains an entry for this variant (Variation ID: 1368077). Invitae Evidence Modeling of protein sequence and biophysical properties (such as structural, functional, and spatial information, amino acid conservation, physicochemical variation, residue mobility, and thermodynamic stability) indicates that this missense variant is not expected to disrupt C2 protein function with a negative predictive value of 80%. In summary, the available evidence is currently insufficient to determine the role of this variant in disease. Therefore, it has been classified as a Variant of Uncertain Significance.